The following is an entry in ClinVar:

NM_000321.3(RB1):c.444G>A (p.Met148Ile)

Gene: RB1 (RB transcriptional corepressor 1; plus strand). Cytogenetic location: 13q14.2.
Variant type: single nucleotide variant.
Coding change: c.444G>A on transcript NM_000321.3 (MANE Select); coding-DNA position 444, G replaced by A.
Protein change: p.Met148Ile; replaces methionine 148 with isoleucine.
Molecular consequence: missense variant.
Genome position (GRCh38, 1-based): chr13:48,345,143, G>A. VCF-style: chr13-48345143-G-A. GRCh37 (hg19) VCF-style: chr13-48919279-G-A.
Other names: c.444G>A, p.Met148Ile (NM_001407165.1, NM_001407166.1); short protein forms M148I.
Identifiers: ClinVar variation 1996473 (VCV001996473.4), dbSNP rs2138087534, ClinGen allele CA388252736.

ClinVar aggregate classification (germline): Uncertain significance (1 of 4 stars; one submission).

Conditions:
Retinoblastoma (RB1). Also called: RETINOBLASTOMA, SOMATIC. Identifiers: Orphanet 790, MedGen C0035335, MeSH D012175, MONDO:0008380, OMIM 180200, HP:0009919. Disease mechanism: loss of function. Inheritance: Both sporadic and heritable forms are tested..

Allele frequency attached by ClinVar (database versions not stated): gnomAD exomes below 0.00001.

Submission:

Labcorp Genetics (formerly Invitae), Labcorp
Classification: Uncertain significance for Retinoblastoma. Last evaluated: 2024-06-18. Review status: criteria provided, single submitter. Criteria: Invitae Variant Classification Sherloc (09022015). Collection method: clinical testing. Allele origin: germline.
Comment: This sequence change replaces methionine, which is neutral and non-polar, with isoleucine, which is neutral and non-polar, at codon 148 of the RB1 protein (p.Met148Ile). This variant is not present in population databases (gnomAD no frequency). This variant has not been reported in the literature in individuals affected with RB1-related conditions. ClinVar contains an entry for this variant (Variation ID: 1996473). Advanced modeling of protein sequence and biophysical properties (such as structural, functional, and spatial information, amino acid conservation, physicochemical variation, residue mobility, and thermodynamic stability) performed at Invitae indicates that this missense variant is not expected to disrupt RB1 protein function with a negative predictive value of 80%. In summary, the available evidence is currently insufficient to determine the role of this variant in disease. Therefore, it has been classified as a Variant of Uncertain Significance.